The following is an entry in ClinVar:

ClinVar aggregate classification (germline): Uncertain significance. Review status: criteria provided, multiple submitters, no conflicts (2 of 4 stars). 2 submissions from 2 submitters: Uncertain significance (2). Last evaluated 2026-07-22.

Conditions:
Hereditary cancer-predisposing syndrome. Also called: Hereditary Cancer Syndrome; Neoplastic Syndromes, Hereditary; Hereditary neoplastic syndrome; Tumor predisposition. Identifiers: Orphanet 140162, MedGen C0027672, MeSH D009386, MONDO:0015356.
Familial adenomatous polyposis 1 (FAP1). Also called: FAMILIAL ADENOMATOUS POLYPOSIS 1, ATTENUATED; POLYPOSIS, ADENOMATOUS INTESTINAL. Identifiers: MedGen C2713442, MONDO:0021056, OMIM 175100. Disease mechanism: loss of function.

Submissions (2):

Ambry Genetics
Classification: Uncertain significance for Hereditary cancer-predisposing syndrome. Last evaluated: 2026-07-22. Review status: criteria provided, single submitter. Criteria: Ambry Variant Classification Scheme 2023. Collection method: clinical testing. Allele origin: germline.
Comment: The p.S2803Y variant (also known as c.8408C>A), located in coding exon 15 of the APC gene, results from a C to A substitution at nucleotide position 8408. The serine at codon 2803 is replaced by tyrosine, an amino acid with dissimilar properties. This amino acid position is conserved. In addition, in silico predictors for this gene do not accurately predict pathogenicity. Based on the available evidence, the clinical significance of this variant remains unclear.

Labcorp Genetics (formerly Invitae), Labcorp
Classification: Uncertain significance for Familial adenomatous polyposis 1. Last evaluated: 2021-06-20. Review status: criteria provided, single submitter. Criteria: Invitae Variant Classification Sherloc (09022015). Collection method: clinical testing. Allele origin: germline.
Comment: In summary, the available evidence is currently insufficient to determine the role of this variant in disease. Therefore, it has been classified as a Variant of Uncertain Significance. Algorithms developed to predict the effect of missense changes on protein structure and function are either unavailable or do not agree on the potential impact of this missense change (SIFT: "Deleterious"; PolyPhen-2: "Probably Damaging"; Align-GVGD: "Class C15"). This variant has not been reported in the literature in individuals with APC-related conditions. This variant is not present in population databases (ExAC no frequency). This sequence change replaces serine with tyrosine at codon 2803 of the APC protein (p.Ser2803Tyr). The serine residue is highly conserved and there is a large physicochemical difference between serine and tyrosine.

NM_000038.6(APC):c.8408C>A (p.Ser2803Tyr)

Gene: APC (APC regulator of Wnt signaling pathway; plus strand). Cytogenetic location: 5q22.2.
Variant type: single nucleotide variant.
Coding change: c.8408C>A on transcript NM_000038.6 (MANE Select); coding-DNA position 8408, C replaced by A.
Protein change: p.Ser2803Tyr; replaces serine 2803 with tyrosine.
Molecular consequence: missense variant.
Genome position (GRCh38, 1-based): chr5:112,844,002, C>A. VCF-style: chr5-112844002-C-A. GRCh37 (hg19) VCF-style: chr5-112179699-C-A.
Other names: c.8231C>A, p.Ser2744Tyr (NM_001354901.2); c.8135C>A, p.Ser2712Tyr (NM_001354902.2); c.8105C>A, p.Ser2702Tyr (NM_001354903.2); c.8030C>A, p.Ser2677Tyr (NM_001354904.2); c.7928C>A, p.Ser2643Tyr (NM_001354905.2); c.7559C>A, p.Ser2520Tyr (NM_001354906.2); c.8408C>A, p.Ser2803Tyr (NM_001127510.3, NM_001354895.2); c.8354C>A, p.Ser2785Tyr (NM_001127511.3); and 6 more; short protein forms S2520Y, S2677Y, S2702Y, S2778Y, S2813Y, S2821Y, S2643Y, S2712Y.
Identifiers: ClinVar variation 1434542 (VCV001434542.9), dbSNP rs2150004820, ClinGen allele CA16039575.
Genomic context (GRCh38, chr5:112,844,002, plus strand): 5'-CTTTTAATTACAACCCAAGCCCTAGGAAAAGCAGCGCAGATAGCACTTCAGCTCGGCCAT[C>A]TCAGATCCCAACTCCAGTGAATAACAACACAAAGAAGCGAGATTCCAAAACTGACAGCAC-3'
Protein context (NP_000029.2, residues 2793-2813): SSADSTSARP[Ser2803Tyr]QIPTPVNNNT